The following is an entry in ClinVar:

NM_004186.5(SEMA3F):c.156C>T (p.Leu52=)

Gene: SEMA3F (semaphorin 3F; plus strand). Cytogenetic location: 3p21.31.
Variant type: single nucleotide variant.
Coding change: c.156C>T on transcript NM_004186.5 (MANE Select); coding-DNA position 156, C replaced by T.
Protein change: p.Leu52=; no amino-acid change (leucine 52 retained).
Molecular consequence: synonymous variant. On other transcripts: 5 prime UTR variant (1).
Genome position (GRCh38, 1-based): chr3:50,173,836, C>T. VCF-style: chr3-50173836-C-T. GRCh37 (hg19) VCF-style: chr3-50211269-C-T.
Other names: c.-49C>T (NM_001318798.2); c.156C>T, p.Leu52= (NM_001318800.2).
Identifiers: ClinVar variation 3357454 (VCV003357454.1).
Genomic context (GRCh38, chr3:50,173,836, plus strand): 5'-CTGCCCTCCACCCACAGAGCTGAAGGCCACAGGCACCGCCCACTTCTTCAACTTCCTGCT[C>T]AACACAACCGACTACCGAATCTTGCTCAAGGACGAGGACCACGACCGCATGTACGTGGGC-3'
Protein context (NP_004177.3, residues 42-62): TGTAHFFNFL[Leu52=]NTTDYRILLK

ClinVar aggregate classification (germline): Likely benign (0 of 4 stars; one submission).

Conditions:
SEMA3F-related disorder. Also called: SEMA3F-related condition.

gnomAD v4.1: 9 of 1,613,994 alleles (0.00056%); highest among the groups gnomAD compares: African/African-American, 0.011%; no homozygotes.

Submission:

PreventionGenetics, part of Exact Sciences
Classification: Likely benign for SEMA3F-related condition. Last evaluated: 2023-12-18. Review status: no assertion criteria provided. Collection method: clinical testing. Allele origin: germline.
Comment: This variant is classified as likely benign based on ACMG/AMP sequence variant interpretation guidelines (Richards et al. 2015 PMID: 25741868, with internal and published modifications).